The following is an entry in ClinVar:

NM_007294.4(BRCA1):c.4895T>A (p.Val1632Glu)

Gene: BRCA1 (BRCA1 DNA repair associated; minus strand). Cytogenetic location: 17q21.31.
Variant type: single nucleotide variant.
Coding change: c.4895T>A on transcript NM_007294.4 (MANE Select); coding-DNA position 4895, T replaced by A.
Protein change: p.Val1632Glu; replaces valine 1632 with glutamic acid.
Molecular consequence: missense variant. On other transcripts: non-coding transcript variant (1).
Genome position (GRCh38, 1-based): chr17:43,071,019, A>T on the plus strand (T>A on the coding strand, the complement: BRCA1 is on the minus strand). VCF-style: chr17-43071019-A-T. GRCh37 (hg19) VCF-style: chr17-41223036-A-T.
Other names: c.4772T>A, p.Val1591Glu (NM_001407665.1, NM_001407919.1, NM_001407937.1 and 6 more transcripts); c.4769T>A, p.Val1590Glu (NM_001407676.1, NM_001407677.1, NM_001407678.1 and 11 more transcripts); c.4766T>A, p.Val1589Glu (NM_001407681.1, NM_001407682.1, NM_001407683.1 and 6 more transcripts); c.4895T>A, p.Val1632Glu (NM_001407684.1, NM_001407593.1, NM_001407594.1 and 8 more transcripts); c.4754T>A, p.Val1585Glu (NM_001407696.1, NM_001407697.1, NM_001407698.1 and 13 more transcripts); c.4751T>A, p.Val1584Glu (NM_001407740.1, NM_001407741.1, NM_001407742.1 and 21 more transcripts); c.4748T>A, p.Val1583Glu (NM_001407845.1, NM_001407846.1, NM_001407847.1 and 12 more transcripts); c.4685T>A, p.Val1562Glu (NM_001407881.1, NM_001407882.1, NM_001407884.1 and 5 more transcripts); and 70 more; short protein forms V1585E, V1632E, V528E, V1653E, V1504E, V1521E, V1544E, V1562E.
Identifiers: ClinVar variation 865391 (VCV000865391.3), dbSNP rs1397965282, ClinGen allele CA10591736.

Conditions:
Breast-ovarian cancer, familial, susceptibility to, 1 (BROVCA1). Also called: BRCA1 Hereditary Breast and Ovarian Cancer; OVARIAN CANCER, SUSCEPTIBILITY TO. Identifiers: Orphanet 145, MedGen C2676676, MONDO:0011450, OMIM 604370. Disease mechanism: loss of function.

Submission:

Brotman Baty Institute, University of Washington
No classification provided (evidence only). Condition: Breast-ovarian cancer, familial 1. Review status: no classification provided. Collection method: in vitro. Allele origin: not applicable. Functional consequence: functionally_normal.
ClinVar note: "not provided" was previously submitted as the classification for the variant. However, the classification appeared to be based only on an observation of functional data so it was converted to no classification on 2025-07-30.